The following is an entry in ClinVar:

NM_139027.6(ADAMTS13):c.1850A>C (p.Tyr617Ser)

Gene: ADAMTS13 (ADAM metallopeptidase with thrombospondin type 1 motif 13; plus strand). Cytogenetic location: 9q34.2.
Variant type: single nucleotide variant.
Coding change: c.1850A>C on transcript NM_139027.6 (MANE Select); coding-DNA position 1850, A replaced by C.
Protein change: p.Tyr617Ser; replaces tyrosine 617 with serine.
Molecular consequence: missense variant. On other transcripts: non-coding transcript variant (1).
Genome position (GRCh38, 1-based): chr9:133,440,407, A>C. VCF-style: chr9-133440407-A-C. GRCh37 (hg19) VCF-style: chr9-136305528-A-C.
Other names: c.1850A>C, p.Tyr617Ser (NM_139025.5); c.1757A>C, p.Tyr586Ser (NM_139026.6); short protein forms Y617S, Y586S.
Identifiers: ClinVar variation 1913558 (VCV001913558.6), dbSNP rs1204055555, ClinGen allele CA375394805.
Genomic context (GRCh38, chr9:133,440,407, plus strand): 5'-TGAGGATCGGAGGGCGCTATGTCGTGGCTGGGAAGATGAGCATCTCCCCTAACACCACCT[A>C]CCCCTCCCTCCTGGAGGATGGTCGTGTCGAGTACAGAGTGGCCCTCACCGAGGACCGGCT-3'
Protein context (NP_620596.2, residues 607-627): GKMSISPNTT[Tyr617Ser]PSLLEDGRVE

ClinVar aggregate classification (germline): Uncertain significance. Review status: criteria provided, multiple submitters, no conflicts (2 of 4 stars). 2 submissions from 2 submitters: Uncertain significance (2). Last evaluated 2022-07-27.

Allele frequency attached by ClinVar (database versions not stated): gnomAD 0.00001; TOPMed 0.00001.
gnomAD v4.1: 7 of 1,613,320 alleles (0.00043%); highest among the groups gnomAD compares: Non-Finnish European, 0.00051%; no homozygotes.

Submissions (2):

Labcorp Genetics (formerly Invitae), Labcorp
Classification: Uncertain significance. Last evaluated: 2022-07-27. Review status: criteria provided, single submitter. Criteria: Invitae Variant Classification Sherloc (09022015). Collection method: clinical testing. Allele origin: germline.
Comment: This variant is not present in population databases (gnomAD no frequency). In summary, the available evidence is currently insufficient to determine the role of this variant in disease. Therefore, it has been classified as a Variant of Uncertain Significance. Algorithms developed to predict the effect of missense changes on protein structure and function are either unavailable or do not agree on the potential impact of this missense change (SIFT: "Deleterious"; PolyPhen-2: "Benign"; Align-GVGD: "Class C65"). This variant has not been reported in the literature in individuals affected with ADAMTS13-related conditions. This sequence change replaces tyrosine, which is neutral and polar, with serine, which is neutral and polar, at codon 617 of the ADAMTS13 protein (p.Tyr617Ser).

Blueprint Genetics
Classification: Uncertain significance. Last evaluated: 2020-04-24. Review status: criteria provided, single submitter. Criteria: ACMG Guidelines, 2015. Collection method: clinical testing. Allele origin: germline.